The following is an entry in ClinVar:

ClinVar aggregate classification (germline): Uncertain significance. Review status: criteria provided, multiple submitters, no conflicts (2 of 4 stars). 3 submissions from 3 submitters: Uncertain significance (3). Last evaluated 2023-07-11.

Allele frequency attached by ClinVar (database versions not stated): gnomAD 0.00001; gnomAD exomes 0.00002.

Submissions (3):

Blueprint Genetics
Classification: Uncertain significance. Last evaluated: 2023-07-11. Review status: criteria provided, single submitter. Criteria: ACMG Guidelines, 2015. Collection method: clinical testing. Allele origin: germline.

Ambry Genetics
Classification: Uncertain significance. Last evaluated: 2022-09-14. Review status: criteria provided, single submitter. Criteria: Ambry Variant Classification Scheme 2023. Collection method: clinical testing. Allele origin: germline.

Labcorp Genetics (formerly Invitae), Labcorp
Classification: Uncertain significance. Last evaluated: 2021-07-07. Review status: criteria provided, single submitter. Criteria: Invitae Variant Classification Sherloc (09022015). Collection method: clinical testing. Allele origin: germline.
Comment: In summary, the available evidence is currently insufficient to determine the role of this variant in disease. Therefore, it has been classified as a Variant of Uncertain Significance. Algorithms developed to predict the effect of sequence changes on RNA splicing suggest that this variant may create or strengthen a splice site. Algorithms developed to predict the effect of missense changes on protein structure and function are either unavailable or do not agree on the potential impact of this missense change (SIFT: "Deleterious"; PolyPhen-2: "Probably Damaging"; Align-GVGD: "Class C0"). This variant has not been reported in the literature in individuals affected with RCBTB1-related conditions. This variant is not present in population databases (ExAC no frequency). This sequence change replaces glycine with serine at codon 28 of the RCBTB1 protein (p.Gly28Ser). The glycine residue is highly conserved and there is a small physicochemical difference between glycine and serine.

NM_018191.4(RCBTB1):c.82G>A (p.Gly28Ser)

Gene: RCBTB1 (RCC1 and BTB domain containing protein 1; minus strand). Cytogenetic location: 13q14.2.
Variant type: single nucleotide variant.
Coding change: c.82G>A on transcript NM_018191.4 (MANE Select); coding-DNA position 82, G replaced by A.
Protein change: p.Gly28Ser; replaces glycine 28 with serine.
Molecular consequence: missense variant. On other transcripts: 5 prime UTR variant (1), non-coding transcript variant (2).
Genome position (GRCh38, 1-based): chr13:49,567,198, C>T on the plus strand (G>A on the coding strand, the complement: RCBTB1 is on the minus strand). VCF-style: chr13-49567198-C-T. GRCh37 (hg19) VCF-style: chr13-50141334-C-T.
Other names: c.82G>A (NM_018191.3); c.82G>A, p.Gly28Ser (NM_001352500.2, NM_001352501.2, NM_001352502.2 and 3 more transcripts); c.-528G>A (NM_001352506.2); short protein forms G28S.
Identifiers: ClinVar variation 1445920 (VCV001445920.8), dbSNP rs1047582495, ClinGen allele CA249378638.
Genomic context (GRCh38, chr13:49,567,198, plus strand): 5'-TTCAAGAGACTCTTACCTCATCATTGTCAGTAACGTACAGTGCTTCACTGGCTGAGGTGC[C>T]GAAGACACACGCCTTCCGAATAGACGCGATCTCTTGAGGGGAGAGTAGAGTGAAGATGGG-3'
Protein context (NP_060661.3, residues 18-38): IASIRKACVF[Gly28Ser]TSASEALYVT